The following is an entry in ClinVar:

NM_000138.5(FBN1):c.7453+272_7453+273insC

Gene: FBN1 (fibrillin 1; minus strand). Cytogenetic location: 15q21.1.
Variant type: Insertion.
Coding change: c.7453+272_7453+273insC on transcript NM_000138.5 (MANE Select); bases 272 to 273 of the intron after coding-DNA position 7453, C inserted.
Molecular consequence: intron variant.
Genome position: GRCh38 VCF-style: chr15-48425096-A-AG. GRCh37 (hg19) VCF-style: chr15-48717293-A-AG.
Identifiers: ClinVar variation 668568 (VCV000668568.1), dbSNP rs146522769, ClinGen allele CA269520522.

ClinVar aggregate classification (germline): Likely benign (1 of 4 stars; one submission).

Allele frequency attached by ClinVar (database versions not stated): gnomAD 0.02326 and 0.02424; TOPMed 0.02752; 1000 Genomes Project 30x 0.04716; 1000 Genomes Project 0.04892.

Submission:

GeneDx
Classification: Likely benign. Last evaluated: 2018-06-14. Review status: criteria provided, single submitter. Criteria: GeneDx Variant Classification (06012015). Collection method: clinical testing. Allele origin: germline. Affected: yes.
Comment: This variant is considered likely benign or benign based on one or more of the following criteria: it is a conservative change, it occurs at a poorly conserved position in the protein, it is predicted to be benign by multiple in silico algorithms, and/or has population frequency not consistent with disease.